The following is an entry in ClinVar:

NM_017563.5(IL17RD):c.814-2A>C

Gene: IL17RD (interleukin 17 receptor D; minus strand). Cytogenetic location: 3p14.3.
Variant type: single nucleotide variant.
Coding change: c.814-2A>C on transcript NM_017563.5 (MANE Select); the canonical splice acceptor site of the intron before coding-DNA position 814, A replaced by C.
Molecular consequence: splice acceptor variant.
Genome position (GRCh38, 1-based): chr3:57,103,147, T>G on the plus strand (A>C on the coding strand, the complement: IL17RD is on the minus strand). VCF-style: chr3-57103147-T-G. GRCh37 (hg19) VCF-style: chr3-57137175-T-G.
Other names: c.382-2A>C (NM_001318864.2).
Identifiers: ClinVar variation 1345582 (VCV001345582.6), dbSNP rs2107471745, ClinGen allele CA353316524.

ClinVar aggregate classification (germline): Uncertain significance (1 of 4 stars; one submission).

Submission:

Labcorp Genetics (formerly Invitae), Labcorp
Classification: Uncertain significance. Last evaluated: 2021-10-19. Review status: criteria provided, single submitter. Criteria: Invitae Variant Classification Sherloc (09022015). Collection method: clinical testing. Allele origin: germline.
Comment: In summary, the available evidence is currently insufficient to determine the role of this variant in disease. Therefore, it has been classified as a Variant of Uncertain Significance. Experimental studies and prediction algorithms are not available or were not evaluated, and the functional significance of this variant is currently unknown. This variant has not been reported in the literature in individuals affected with IL17RD-related conditions. This variant is not present in population databases (ExAC no frequency). This sequence change affects an acceptor splice site in intron 8 of the IL17RD gene. It is expected to disrupt RNA splicing. Variants that disrupt the donor or acceptor splice site typically lead to a loss of protein function (PMID: 16199547), however the current clinical and genetic evidence is not sufficient to establish whether loss-of-function variants in IL17RD cause disease.

Literature cited by the submitters: PubMed 16199547.